The following is an entry in ClinVar:

ClinVar aggregate classification (germline): Likely pathogenic (1 of 4 stars; one submission).

Conditions:
Rauch-Steindl syndrome (RAUST). Identifiers: Orphanet 659642, MedGen C5562061, MONDO:0859219, OMIM 619695.

Submission:

Institute of Human Genetics, University of Leipzig Medical Center
Classification: Likely pathogenic for Rauch-Steindl syndrome. Last evaluated: 2025-08-20. Review status: criteria provided, single submitter. Criteria: ACMG Guidelines, 2015. Collection method: clinical testing. Allele origin: paternal. Inheritance: Autosomal dominant inheritance. Affected: yes.
Comment: Criteria applied: PM1,PM2,PP1,PP2,PP3

NM_001042424.3(NSD2):c.3412C>G (p.Arg1138Gly)

Gene: NSD2 (nuclear receptor binding SET domain protein 2; plus strand). Cytogenetic location: 4p16.3.
Variant type: single nucleotide variant.
Coding change: c.3412C>G on transcript NM_001042424.3 (MANE Select); coding-DNA position 3412, C replaced by G.
Protein change: p.Arg1138Gly; replaces arginine 1138 with glycine.
Molecular consequence: missense variant.
Genome position (GRCh38, 1-based): chr4:1,974,902, C>G. VCF-style: chr4-1974902-C-G. GRCh37 (hg19) VCF-style: chr4-1976629-C-G.
Other names: c.3412C>G, p.Arg1138Gly (NM_133330.3, NM_133331.3, NM_133335.4); short protein forms R1138G.
Identifiers: ClinVar variation 2500313 (VCV002500313.3), dbSNP rs1726909627, ClinGen allele CA355999410.